The following is an entry in ClinVar:

NM_006796.3(AFG3L2):c.9C>G (p.His3Gln)

Gene: AFG3L2 (AFG3 like matrix AAA peptidase subunit 2; minus strand). Cytogenetic location: 18p11.21.
Variant type: single nucleotide variant.
Coding change: c.9C>G on transcript NM_006796.3 (MANE Select); coding-DNA position 9, C replaced by G.
Protein change: p.His3Gln; replaces histidine 3 with glutamine.
Molecular consequence: missense variant.
Genome position (GRCh38, 1-based): chr18:12,377,074, G>C on the plus strand (C>G on the coding strand, the complement: AFG3L2 is on the minus strand). VCF-style: chr18-12377074-G-C. GRCh37 (hg19) VCF-style: chr18-12377073-G-C.
Other names: short protein forms H3Q.
Identifiers: ClinVar variation 5017320 (VCV005017320.1).

ClinVar aggregate classification (germline): Uncertain significance (1 of 4 stars; one submission).

Submission:

GeneDx
Classification: Uncertain significance. Last evaluated: 2026-03-26. Review status: criteria provided, single submitter. Criteria: GeneDx Variant Classification Process June 2021. Collection method: clinical testing. Allele origin: germline.
Comment: Not observed at significant frequency in large population cohorts (gnomAD); In silico analysis suggests that this missense variant does not alter protein structure/function; Has not been previously published as pathogenic or benign to our knowledge